The following is an entry in ClinVar:

ClinVar aggregate classification (germline): Uncertain significance (1 of 4 stars; one submission).

Conditions:
Hereditary cancer-predisposing syndrome. Also called: Neoplastic Syndromes, Hereditary; Tumor predisposition; Hereditary Cancer Syndrome; Hereditary neoplastic syndrome. Identifiers: Orphanet 140162, MedGen C0027672, MeSH D009386, MONDO:0015356.

Submission:

Ambry Genetics
Classification: Uncertain significance for Hereditary cancer-predisposing syndrome. Last evaluated: 2026-02-16. Review status: criteria provided, single submitter. Criteria: Ambry Variant Classification Scheme 2023. Collection method: clinical testing. Allele origin: germline.
Comment: The p.K771E variant (also known as c.2311A>G), located in coding exon 15 of the PDGFRA gene, results from an A to G substitution at nucleotide position 2311. The lysine at codon 771 is replaced by glutamic acid, an amino acid with similar properties. This amino acid position is conserved. In addition, the in silico prediction for this alteration is inconclusive. Based on the available evidence, the clinical significance of this variant remains unclear.

NM_006206.6(PDGFRA):c.2311A>G (p.Lys771Glu)

Gene: PDGFRA (platelet derived growth factor receptor alpha; plus strand). Cytogenetic location: 4q12.
Variant type: single nucleotide variant.
Coding change: c.2311A>G on transcript NM_006206.6 (MANE Select); coding-DNA position 2311, A replaced by G.
Protein change: p.Lys771Glu; replaces lysine 771 with glutamic acid.
Molecular consequence: missense variant.
Genome position (GRCh38, 1-based): chr4:54,280,470, A>G. VCF-style: chr4-54280470-A-G. GRCh37 (hg19) VCF-style: chr4-55146637-A-G.
Other names: c.2311A>G, p.Lys771Glu (NM_001347827.2, NM_001347829.2); c.2386A>G, p.Lys796Glu (NM_001347828.2); c.2350A>G, p.Lys784Glu (NM_001347830.2); short protein forms K784E, K771E, K796E.
Identifiers: ClinVar variation 4825451 (VCV004825451.1).